The following is an entry in ClinVar:

ClinVar aggregate classification (germline): Uncertain significance. Review status: criteria provided, multiple submitters, no conflicts (2 of 4 stars). 3 submissions from 3 submitters: Uncertain significance (2). 1 of the submissions does not count toward it. Last evaluated 2024-09-29.

Conditions:
Inborn genetic diseases. Identifiers: MedGen C0950123, MeSH D030342.
Kabuki syndrome. Also called: NIIKAWA-KUROKI SYNDROME; Kabuki make-up syndrome. Identifiers: Orphanet 2322, MedGen C0796004, MONDO:0016512.

Allele frequency attached by ClinVar (database versions not stated): TOPMed 0.00001.
gnomAD v4.1: 18 of 1,585,928 alleles (0.0011%); highest among the groups gnomAD compares: African/African-American, 0.0027%; no homozygotes.

Submissions (3):

Labcorp Genetics (formerly Invitae), Labcorp
Classification: Uncertain significance for Kabuki syndrome. Last evaluated: 2024-09-29. Review status: criteria provided, single submitter. Criteria: Invitae Variant Classification Sherloc (09022015). Collection method: clinical testing. Allele origin: germline.
Comment: This sequence change replaces tyrosine, which is neutral and polar, with cysteine, which is neutral and slightly polar, at codon 4606 of the KMT2D protein (p.Tyr4606Cys). This variant is not present in population databases (gnomAD no frequency). This variant has not been reported in the literature in individuals affected with KMT2D-related conditions. ClinVar contains an entry for this variant (Variation ID: 134723). Invitae Evidence Modeling of protein sequence and biophysical properties (such as structural, functional, and spatial information, amino acid conservation, physicochemical variation, residue mobility, and thermodynamic stability) indicates that this missense variant is expected to disrupt KMT2D protein function with a positive predictive value of 80%. In summary, the available evidence is currently insufficient to determine the role of this variant in disease. Therefore, it has been classified as a Variant of Uncertain Significance.

Ambry Genetics
Classification: Uncertain significance for Inborn genetic diseases. Last evaluated: 2019-06-10. Review status: criteria provided, single submitter. Criteria: Ambry exome assertion method (8-5-2015). Collection method: clinical testing. Allele origin: germline. Affected: yes. Observed: 1 variant allele.

ITMI
No classification provided. Condition: AllHighlyPenetrant. Last evaluated: 2013-09-19. Review status: no classification provided. Collection method: reference population. Allele origin: germline. Not counted in ClinVar's aggregate classification.
Comment: Please see associated publication for description of ethnicities

Literature cited by the submitters: PubMed 24728327 (cited by ITMI).

NM_003482.4(KMT2D):c.13817A>G (p.Tyr4606Cys)

Gene: KMT2D (lysine methyltransferase 2D; minus strand). Cytogenetic location: 12q13.12.
Variant type: single nucleotide variant.
Coding change: c.13817A>G on transcript NM_003482.4 (MANE Select); coding-DNA position 13817, A replaced by G.
Protein change: p.Tyr4606Cys; replaces tyrosine 4606 with cysteine.
Molecular consequence: missense variant.
Genome position (GRCh38, 1-based): chr12:49,030,623, T>C on the plus strand (A>G on the coding strand, the complement: KMT2D is on the minus strand). VCF-style: chr12-49030623-T-C. GRCh37 (hg19) VCF-style: chr12-49424406-T-C.
Other names: short protein forms Y4606C.
Identifiers: ClinVar variation 134723 (VCV000134723.6), dbSNP rs587778481, ClinGen allele CA160617.